The following is an entry in ClinVar:

NM_001165963.4(SCN1A):c.4333A>T (p.Arg1445Ter)

Genes: SCN1A (sodium voltage-gated channel alpha subunit 1; minus strand), LOC102724058 (uncharacterized LOC102724058; plus strand). Cytogenetic location: 2q24.3.
Variant type: single nucleotide variant.
Coding change: c.4333A>T on transcript NM_001165963.4 (MANE Select); coding-DNA position 4333, A replaced by T.
Protein change: p.Arg1445Ter; replaces arginine 1445 with a stop codon.
Molecular consequence: nonsense. On other transcripts: non-coding transcript variant (1).
Genome position (GRCh38, 1-based): chr2:165,999,728, T>A on the plus strand (A>T on the coding strand, the complement: SCN1A is on the minus strand). VCF-style: chr2-165999728-T-A. GRCh37 (hg19) VCF-style: chr2-166856238-T-A.
Other names: c.4249A>T, p.Arg1417Ter (NM_001165964.3, NM_001353957.2, NM_001353958.2); c.4333A>T, p.Arg1445Ter (NM_001202435.3, NM_001353948.2); c.4300A>T, p.Arg1434Ter (NM_001353949.2, NM_001353950.2, NM_001353951.2 and 2 more transcripts); c.4297A>T, p.Arg1433Ter (NM_001353954.2, NM_001353955.2); c.4246A>T, p.Arg1416Ter (NM_001353960.2); c.1891A>T, p.Arg631Ter (NM_001353961.2); short protein forms R1445*, R1434*, R1416*, R1417*, R631*, R1433*.
Identifiers: ClinVar variation 530452 (VCV000530452.7), dbSNP rs1553523142, ClinGen allele CA349049539.
Genomic context (GRCh38, chr2:165,999,728, plus strand): 5'-AATTTTACCACCTGATCAATATTGTAAAAAGACTTAGAATACAAGGAATACTTACATTTC[T>A]GGAATCAACTGCTGCATACATTATATCCATCCATCCTTTGAATGTGGCCTATTAAGAAGG-3'

ClinVar aggregate classification (germline): Pathogenic (1 of 4 stars; one submission).

Conditions:
Early-infantile DEE. Also called: Early infantile epileptic encephalopathy; Early infantile epileptic encephalopathy with suppression bursts; Ohtahara syndrome. Identifiers: Orphanet 1934, MedGen C0393706, MONDO:0800491.

Submission:

Labcorp Genetics (formerly Invitae), Labcorp
Classification: Pathogenic for Early-infantile DEE. Last evaluated: 2017-12-06. Review status: criteria provided, single submitter. Criteria: Invitae Variant Classification Sherloc (09022015). Collection method: clinical testing. Allele origin: germline.
Comment: For these reasons, this variant has been classified as Pathogenic. Loss-of-function variants in SCN1A are known to be pathogenic (PMID: 17347258, 18930999). This variant has not been reported in the literature in individuals with SCN1A-related disease. This variant is not present in population databases (ExAC no frequency). This sequence change creates a premature translational stop signal (p.Arg1445*) in the SCN1A gene. It is expected to result in an absent or disrupted protein product.

Literature cited by the submitters: PubMed 17347258; PubMed 18930999.